The following is an entry in ClinVar:

NM_000111.3(SLC26A3):c.77A>C (p.Lys26Thr)

Gene: SLC26A3 (solute carrier family 26 member 3; minus strand). Cytogenetic location: 7q22.3.
Variant type: single nucleotide variant.
Coding change: c.77A>C on transcript NM_000111.3 (MANE Select); coding-DNA position 77, A replaced by C.
Protein change: p.Lys26Thr; replaces lysine 26 with threonine.
Molecular consequence: missense variant.
Genome position (GRCh38, 1-based): chr7:107,794,433, T>G on the plus strand (A>C on the coding strand, the complement: SLC26A3 is on the minus strand). VCF-style: chr7-107794433-T-G. GRCh37 (hg19) VCF-style: chr7-107434878-T-G.
Other names: short protein forms K26T.
Identifiers: ClinVar variation 1946307 (VCV001946307.5), dbSNP rs2535478062, ClinGen allele CA368854481.

ClinVar aggregate classification (germline): Uncertain significance (1 of 4 stars; one submission).

Allele frequency attached by ClinVar (database versions not stated): gnomAD exomes below 0.00001.

Submission:

Labcorp Genetics (formerly Invitae), Labcorp
Classification: Uncertain significance. Last evaluated: 2022-01-19. Review status: criteria provided, single submitter. Criteria: Invitae Variant Classification Sherloc (09022015). Collection method: clinical testing. Allele origin: germline.
Comment: In summary, the available evidence is currently insufficient to determine the role of this variant in disease. Therefore, it has been classified as a Variant of Uncertain Significance. Advanced modeling of protein sequence and biophysical properties (such as structural, functional, and spatial information, amino acid conservation, physicochemical variation, residue mobility, and thermodynamic stability) performed at Invitae indicates that this missense variant is not expected to disrupt SLC26A3 protein function. This variant has not been reported in the literature in individuals affected with SLC26A3-related conditions. This variant is not present in population databases (gnomAD no frequency). This sequence change replaces lysine, which is basic and polar, with threonine, which is neutral and polar, at codon 26 of the SLC26A3 protein (p.Lys26Thr).